The following is an entry in ClinVar:

NM_021098.3(CACNA1H):c.1824G>A (p.Leu608=)

Gene: CACNA1H (calcium voltage-gated channel subunit alpha1 H; plus strand). Cytogenetic location: 16p13.3.
Variant type: single nucleotide variant.
Coding change: c.1824G>A on transcript NM_021098.3 (MANE Select); coding-DNA position 1824, G replaced by A.
Protein change: p.Leu608=; no amino-acid change (leucine 608 retained).
Molecular consequence: synonymous variant.
Genome position (GRCh38, 1-based): chr16:1,202,274, G>A. VCF-style: chr16-1202274-G-A. GRCh37 (hg19) VCF-style: chr16-1252274-G-A.
Other names: c.1824G>A, p.Leu608= (NM_001005407.2).
Identifiers: ClinVar variation 460052 (VCV000460052.21), dbSNP rs57260464, ClinGen allele CA7800020.
Genomic context (GRCh38, chr16:1,202,274, plus strand): 5'-GGCCCGGGTGGCACATGCCGCAGCCACTGCCGCTGCCAGCCTCAGACTGGCCACAGGGCT[G>A]GGCACCATGAACTACCCCACGATCCTGCCCTCAGGGGTGGGCAGCGGCAAAGGCAGCACC-3'
Protein context (NP_066921.2, residues 598-618): AAASLRLATG[Leu608=]GTMNYPTILP

ClinVar aggregate classification (germline): Benign/Likely benign. Review status: criteria provided, multiple submitters, no conflicts (2 of 4 stars). 8 submissions from 8 submitters: Benign (4); Likely benign (2). 2 of the submissions do not count toward it. Last evaluated 2026-02-01.

Conditions:
Epilepsy, childhood absence, susceptibility to, 6. Identifiers: Orphanet 64280, MedGen C2749872, MONDO:0012763, OMIM 611942.
Hyperaldosteronism, familial, type IV (HALD4). Also called: FH IV; ALDOSTERONISM, PRIMARY, AND HYPERTENSION. Identifiers: Orphanet 642671, MedGen C4310756, MONDO:0014875, OMIM 617027.
Idiopathic generalized epilepsy. Also called: EIG; Generalised epilepsy. Identifiers: MedGen C0270850, MONDO:0005579, OMIM 600669.

Allele frequency attached by ClinVar (database versions not stated): gnomAD 0.00083 and 0.00096; ESP Exome Variant Server 0.00085; gnomAD exomes 0.00103 and 0.00175; 1000 Genomes Project 30x 0.00109; TOPMed 0.00112; 1000 Genomes Project 0.00140; ExAC 0.00362.
gnomAD v4.1: 1,702 of 1,579,758 alleles (0.11%); highest among the groups gnomAD compares: Middle Eastern, 1.2%; 20 homozygotes.

Submissions (8):

CeGaT Center for Human Genetics Tuebingen
Classification: Likely benign. Last evaluated: 2026-02-01. Review status: criteria provided, single submitter. Criteria: CeGaT Center For Human Genetics Tuebingen Variant Classification Criteria Version 2. Collection method: clinical testing. Allele origin: germline. Affected: yes. Observed: 2 variant alleles.
Comment: CACNA1H: BP4, BP7, BS2

Labcorp Genetics (formerly Invitae), Labcorp
Classification: Benign for Idiopathic generalized epilepsy; Hyperaldosteronism, familial, type IV. Last evaluated: 2026-01-26. Review status: criteria provided, single submitter. Criteria: Invitae Variant Classification Sherloc (09022015). Collection method: clinical testing. Allele origin: germline.

Blueprint Genetics
Classification: Likely benign. Last evaluated: 2024-11-27. Review status: criteria provided, single submitter. Criteria: ACMG Guidelines, 2015. Collection method: clinical testing. Allele origin: germline.

Fulgent Genetics
Classification: Benign for Epilepsy, childhood absence, susceptibility to, 6; Hyperaldosteronism, familial, type IV. Last evaluated: 2021-07-30. Review status: criteria provided, single submitter. Criteria: ACMG Guidelines, 2015. Collection method: clinical testing. Allele origin: unknown.

Athena Diagnostics
Classification: Benign. Last evaluated: 2018-03-08. Review status: criteria provided, single submitter. Criteria: Athena Diagnostics Criteria. Collection method: clinical testing. Allele origin: germline.

Breakthrough Genomics
Classification: Benign. Review status: criteria provided, single submitter. Criteria: ACMG Guidelines, 2015. Collection method: not provided. Allele origin: germline. Inheritance: Autosomal dominant inheritance. Affected: yes.

Clinical Genetics DNA and cytogenetics Diagnostics Lab, Erasmus MC, Erasmus Medical Center
Classification: Likely benign. Review status: no assertion criteria provided. Collection method: clinical testing. Allele origin: germline. Affected: yes. Study: VKGL Data-share Consensus. Not counted in ClinVar's aggregate classification.

Genome Diagnostics Laboratory, University Medical Center Utrecht
Classification: Likely benign. Review status: no assertion criteria provided. Collection method: clinical testing. Allele origin: germline. Affected: yes. Study: VKGL Data-share Consensus. Not counted in ClinVar's aggregate classification.

Literature cited by the submitters: PubMed 12891677 (cited by Athena Diagnostics).